The following is an entry in ClinVar:

ClinVar aggregate classification (germline): Uncertain significance (1 of 4 stars; one submission).

Submission:

Labcorp Genetics (formerly Invitae), Labcorp
Classification: Uncertain significance. Last evaluated: 2024-06-27. Review status: criteria provided, single submitter. Criteria: Invitae Variant Classification Sherloc (09022015). Collection method: clinical testing. Allele origin: germline.
Comment: This sequence change replaces asparagine, which is neutral and polar, with serine, which is neutral and polar, at codon 648 of the MYO5B protein (p.Asn648Ser). This variant is not present in population databases (gnomAD no frequency). This variant has not been reported in the literature in individuals affected with MYO5B-related conditions. Advanced modeling of protein sequence and biophysical properties (such as structural, functional, and spatial information, amino acid conservation, physicochemical variation, residue mobility, and thermodynamic stability) has been performed at Invitae for this missense variant, however the output from this modeling did not meet the statistical confidence thresholds required to predict the impact of this variant on MYO5B protein function. In summary, the available evidence is currently insufficient to determine the role of this variant in disease. Therefore, it has been classified as a Variant of Uncertain Significance.

NM_001080467.3(MYO5B):c.1943A>G (p.Asn648Ser)

Gene: MYO5B (myosin VB; minus strand). Cytogenetic location: 18q21.1.
Variant type: single nucleotide variant.
Coding change: c.1943A>G on transcript NM_001080467.3 (MANE Select); coding-DNA position 1943, A replaced by G.
Protein change: p.Asn648Ser; replaces asparagine 648 with serine.
Molecular consequence: missense variant.
Genome position (GRCh38, 1-based): chr18:49,936,312, T>C on the plus strand (A>G on the coding strand, the complement: MYO5B is on the minus strand). VCF-style: chr18-49936312-T-C. GRCh37 (hg19) VCF-style: chr18-47462682-T-C.
Other names: short protein forms N648S.
Identifiers: ClinVar variation 3620456 (VCV003620456.2).